The following is an entry in ClinVar:

ClinVar aggregate classification (germline): Uncertain significance (1 of 4 stars; one submission).

Conditions:
Ciliary dyskinesia, primary, 37 (CILD37). Also called: CILIARY DYSKINESIA, PRIMARY, 37, WITH OR WITHOUT SITUS INVERSUS. Identifiers: MedGen C4539798, MONDO:0033204, OMIM 617577.
Spermatogenic failure 18. Identifiers: MedGen C4539783, MONDO:0054615, OMIM 617576.

gnomAD v4.1: 1 of 1,610,982 alleles (0.000062%); highest among the groups gnomAD compares: South Asian, 0.0011%; no homozygotes.

Submission:

Labcorp Genetics (formerly Invitae), Labcorp
Classification: Uncertain significance for Ciliary dyskinesia, primary, 37; Spermatogenic failure 18. Last evaluated: 2021-07-19. Review status: criteria provided, single submitter. Criteria: Invitae Variant Classification Sherloc (09022015). Collection method: clinical testing. Allele origin: germline.
Comment: In summary, the available evidence is currently insufficient to determine the role of this variant in disease. Therefore, it has been classified as a Variant of Uncertain Significance. This variant is not present in population databases (ExAC no frequency). This variant has not been reported in the literature in individuals with DNAH1-related conditions. Algorithms developed to predict the effect of missense changes on protein structure and function are either unavailable or do not agree on the potential impact of this missense change (SIFT: "Deleterious"; PolyPhen-2: "Benign"; Align-GVGD: "Class C0"). This sequence change replaces lysine with glutamic acid at codon 689 of the DNAH1 protein (p.Lys689Glu). The lysine residue is moderately conserved and there is a small physicochemical difference between lysine and glutamic acid.

NM_015512.5(DNAH1):c.2065A>G (p.Lys689Glu)

Gene: DNAH1 (dynein axonemal heavy chain 1; plus strand). Cytogenetic location: 3p21.1.
Variant type: single nucleotide variant.
Coding change: c.2065A>G on transcript NM_015512.5 (MANE Select); coding-DNA position 2065, A replaced by G.
Protein change: p.Lys689Glu; replaces lysine 689 with glutamic acid.
Molecular consequence: missense variant.
Genome position (GRCh38, 1-based): chr3:52,347,933, A>G. VCF-style: chr3-52347933-A-G. GRCh37 (hg19) VCF-style: chr3-52381949-A-G.
Other names: short protein forms K689E.
Identifiers: ClinVar variation 1347194 (VCV001347194.8), dbSNP rs2153223860, ClinGen allele CA353097582.